The following is an entry in ClinVar:

ClinVar aggregate classification (germline): Pathogenic. Review status: criteria provided, multiple submitters, no conflicts (2 of 4 stars). 3 submissions from 3 submitters: Pathogenic (3). Last evaluated 2021-09-05.

Conditions:
Deficiency of alpha-mannosidase (MANSA). Also called: Mannosidosis, alpha-, types I and II; LYSOSOMAL ALPHA-D-MANNOSIDASE DEFICIENCY; Alpha-Mannosidosis. Identifiers: Orphanet 61, MedGen C0024748, MONDO:0009561, OMIM 248500.

Allele frequency attached by ClinVar (database versions not stated): TOPMed below 0.00001.

Submissions (3):

Genome-Nilou Lab
Classification: Pathogenic for Deficiency of alpha-mannosidase. Last evaluated: 2021-09-05. Review status: criteria provided, single submitter. Criteria: ACMG Guidelines, 2015. Collection method: clinical testing. Allele origin: germline. Affected: no.

Labcorp Genetics (formerly Invitae), Labcorp
Classification: Pathogenic for Deficiency of alpha-mannosidase. Last evaluated: 2021-05-14. Review status: criteria provided, single submitter. Criteria: Invitae Variant Classification Sherloc (09022015). Collection method: clinical testing. Allele origin: germline.
Comment: For these reasons, this variant has been classified as Pathogenic. Algorithms developed to predict the effect of sequence changes on RNA splicing suggest that this variant may create or strengthen a splice site, but this prediction has not been confirmed by published transcriptional studies. This variant has not been reported in the literature in individuals with MAN2B1-related conditions. ClinVar contains an entry for this variant (Variation ID: 1028817). This variant is not present in population databases (ExAC no frequency). This sequence change creates a premature translational stop signal (p.Gln410*) in the MAN2B1 gene. It is expected to result in an absent or disrupted protein product. Loss-of-function variants in MAN2B1 are known to be pathogenic (PMID: 9915946, 22161967).

Baylor Genetics
Classification: Pathogenic for Deficiency of alpha-mannosidase. Last evaluated: 2019-05-10. Review status: criteria provided, single submitter. Criteria: ACMG Guidelines, 2015. Collection method: clinical testing. Allele origin: maternal. Affected: yes.
Comment: This variant was determined to be pathogenic according to ACMG Guidelines, 2015 [PMID:25741868].

Literature cited by the submitters: PubMed 9915946 (cited by Labcorp Genetics (formerly Invitae), Labcorp); PubMed 22161967 (cited by Labcorp Genetics (formerly Invitae), Labcorp).

NM_000528.4(MAN2B1):c.1228C>T (p.Gln410Ter)

Gene: MAN2B1 (mannosidase alpha class 2B member 1; minus strand). Cytogenetic location: 19p13.13.
Variant type: single nucleotide variant.
Coding change: c.1228C>T on transcript NM_000528.4 (MANE Select); coding-DNA position 1228, C replaced by T.
Protein change: p.Gln410Ter; replaces glutamine 410 with a stop codon.
Molecular consequence: nonsense.
Genome position (GRCh38, 1-based): chr19:12,658,226, G>A on the plus strand (C>T on the coding strand, the complement: MAN2B1 is on the minus strand). VCF-style: chr19-12658226-G-A. GRCh37 (hg19) VCF-style: chr19-12769040-G-A.
Other names: c.1225C>T, p.Gln409Ter (NM_001173498.2); short protein forms Q409*, Q410*.
Identifiers: ClinVar variation 1028817 (VCV001028817.8), dbSNP rs2024019978, ClinGen allele CA404247712.
Genomic context (GRCh38, chr19:12,658,226, plus strand): 5'-GCGCCCAGCCTGTCGGGCCTCGGGGCTGCATGCCCCCTCTAGCCCGGCTCCTACCCACCT[G>A]CAGGAAGTTGTAGCTGAGGCGCTCGTAGCGTTTGAGGGCCGGCCGACTGGAAAAGTAACC-3'